The following is an entry in ClinVar:

NM_001372044.2(SHANK3):c.1087C>T (p.His363Tyr)

Gene: SHANK3 (SH3 and multiple ankyrin repeat domains 3; plus strand). Cytogenetic location: 22q13.33.
Variant type: single nucleotide variant.
Coding change: c.1087C>T on transcript NM_001372044.2 (MANE Select); coding-DNA position 1087, C replaced by T.
Protein change: p.His363Tyr; replaces histidine 363 with tyrosine.
Molecular consequence: missense variant.
Genome position (GRCh38, 1-based): chr22:50,679,405, C>T. VCF-style: chr22-50679405-C-T. GRCh37 (hg19) VCF-style: chr22-51117833-C-T.
Other names: c.862C>T (NM_033517.1); short protein forms H363Y.
Identifiers: ClinVar variation 1307505 (VCV001307505.2), dbSNP rs2146773272, ClinGen allele CA515254665.

ClinVar aggregate classification (germline): Uncertain significance (1 of 4 stars; one submission).

Submission:

GeneDx
Classification: Uncertain significance. Last evaluated: 2019-08-12. Review status: criteria provided, single submitter. Criteria: GeneDx Variant Classification Process June 2021. Collection method: clinical testing. Allele origin: germline. Affected: yes.
Comment: Not observed in large population cohorts (Lek et al., 2016); In silico analysis, which includes protein predictors and evolutionary conservation, supports a deleterious effect; Has not been previously published as pathogenic or benign to our knowledge